The following is an entry in ClinVar:

NM_014014.5(SNRNP200):c.6093-7C>A

Gene: SNRNP200 (small nuclear ribonucleoprotein U5 subunit 200; minus strand). Cytogenetic location: 2q11.2.
Variant type: single nucleotide variant.
Coding change: c.6093-7C>A on transcript NM_014014.5 (MANE Select); 7 bases into the intron before coding-DNA position 6093, C replaced by A.
Molecular consequence: intron variant.
Genome position (GRCh38, 1-based): chr2:96,276,992, G>T on the plus strand (C>A on the coding strand, the complement: SNRNP200 is on the minus strand). VCF-style: chr2-96276992-G-T. GRCh37 (hg19) VCF-style: chr2-96942730-G-T.
Other names: c.6093-7C>A (NM_014014.4).
Identifiers: ClinVar variation 497935 (VCV000497935.15), dbSNP rs201143866, ClinGen allele CA1777814.

ClinVar aggregate classification (germline): Conflicting classifications of pathogenicity. Review status: criteria provided, conflicting classifications (1 of 4 stars). 3 submissions from 3 submitters: Uncertain significance (1); Benign (1); Likely benign (1). Last evaluated 2025-12-22.

Conditions:
SNRNP200-related disorder. Also called: SNRNP200-related condition.

Allele frequency attached by ClinVar (database versions not stated): gnomAD 0.00002; ExAC 0.00008; TOPMed 0.00010; 1000 Genomes Project 30x 0.00031; 1000 Genomes Project 0.00040.
gnomAD v4.1: 57 of 1,614,098 alleles (0.0035%); highest among the groups gnomAD compares: East Asian, 0.12%; 1 homozygote.

Submissions (3):

Labcorp Genetics (formerly Invitae), Labcorp
Classification: Benign. Last evaluated: 2025-12-22. Review status: criteria provided, single submitter. Criteria: Invitae Variant Classification Sherloc (09022015). Collection method: clinical testing. Allele origin: germline.

PreventionGenetics, part of Exact Sciences
Classification: Likely benign for SNRNP200-related condition. Last evaluated: 2025-07-02. Review status: criteria provided, single submitter. Criteria: ACMG Guidelines, 2015. Collection method: clinical testing. Allele origin: germline.
Comment: This variant is classified as likely benign based on ACMG/AMP sequence variant interpretation guidelines (Richards et al. 2015 PMID: 25741868, with internal and published modifications).

Eurofins Ntd Llc (ga)
Classification: Uncertain significance. Last evaluated: 2016-10-31. Review status: criteria provided, single submitter. Criteria: EGL Classification Definitions 2015. Collection method: clinical testing. Allele origin: germline. Observed: 1 variant allele, 1 heterozygote.